The following is an entry in ClinVar:

NM_004612.4(TGFBR1):c.835G>C (p.Val279Leu)

Gene: TGFBR1 (transforming growth factor beta receptor 1; plus strand). Cytogenetic location: 9q22.33.
Variant type: single nucleotide variant.
Coding change: c.835G>C on transcript NM_004612.4 (MANE Select); coding-DNA position 835, G replaced by C.
Protein change: p.Val279Leu; replaces valine 279 with leucine.
Molecular consequence: missense variant.
Genome position (GRCh38, 1-based): chr9:99,142,565, G>C. VCF-style: chr9-99142565-G-C. GRCh37 (hg19) VCF-style: chr9-101904847-G-C.
Other names: c.604G>C, p.Val202Leu (NM_001130916.3); c.847G>C, p.Val283Leu (NM_001306210.2); short protein forms V279L, V202L, V283L.
Identifiers: ClinVar variation 264407 (VCV000264407.15), dbSNP rs112300506, ClinGen allele CA10587683.
Genomic context (GRCh38, chr9:99,142,565, plus strand): 5'-GCCCAACCGAAATGTTAATTCTGTTTTACAGACAATGGTACTTGGACTCAGCTCTGGTTG[G>C]TGTCAGATTATCATGAGCATGGATCCCTTTTTGATTACTTAAACAGATACACAGTTACTG-3'
Protein context (NP_004603.1, residues 269-289): DNGTWTQLWL[Val279Leu]SDYHEHGSLF

ClinVar aggregate classification (germline): Uncertain significance. Review status: criteria provided, multiple submitters, no conflicts (2 of 4 stars). 4 submissions from 4 submitters: Uncertain significance (4). Last evaluated 2025-09-14.

Conditions:
Loeys-Dietz syndrome (LDS). Identifiers: Orphanet 60030, MedGen C2697932, MONDO:0018954.
Familial thoracic aortic aneurysm and aortic dissection (TAAD). Also called: Thoracic aortic aneurysms and dissections. Identifiers: Orphanet 91387, MedGen C4707243, MONDO:0019625.

Allele frequency attached by ClinVar (database versions not stated): gnomAD exomes 0.00001.
gnomAD v4.1: 3 of 1,614,010 alleles (0.00019%); highest among the groups gnomAD compares: Non-Finnish European, 0.00025%; no homozygotes.

Submissions (4):

Color Diagnostics, LLC DBA Color Health
Classification: Uncertain significance for Familial thoracic aortic aneurysm and aortic dissection. Last evaluated: 2025-09-14. Review status: criteria provided, single submitter. Criteria: ACMG Guidelines, 2015. Collection method: clinical testing. Allele origin: germline.
Comment: This missense variant replaces valine with leucine at codon 279 of the TGFBR1 protein. Computational prediction suggests that this variant may have deleterious impact on protein structure and function. To our knowledge, functional studies have not been reported for this variant. This variant has not been reported in individuals affected with TGFBR1-related disorders in the literature. This variant has not been identified in the general population by the Genome Aggregation Database (gnomAD). The available evidence is insufficient to determine the role of this variant in disease conclusively. Therefore, this variant is classified as a Variant of Uncertain Significance.

All of Us Research Program, National Institutes of Health
Classification: Uncertain significance for Loeys-Dietz syndrome. Last evaluated: 2023-11-30. Review status: criteria provided, single submitter. Criteria: ACMG Guidelines, 2015. Collection method: clinical testing. Allele origin: germline. Inheritance: Autosomal dominant inheritance. Observed: 1 variant allele, 1 heterozygote.
Comment: This study involves interpretation of variants in research participants for the purpose of population health screening. Participant phenotype was not available at the time of variant classification. Additional details can be found in publication PMID: 35346344, PMCID: PMC8962531

Labcorp Genetics (formerly Invitae), Labcorp
Classification: Uncertain significance for Familial thoracic aortic aneurysm and aortic dissection. Last evaluated: 2018-03-01. Review status: criteria provided, single submitter. Criteria: Invitae Variant Classification Sherloc (09022015). Collection method: clinical testing. Allele origin: germline.
Comment: In summary, the available evidence is currently insufficient to determine the role of this variant in disease. Therefore, it has been classified as a Variant of Uncertain Significance. Algorithms developed to predict the effect of missense changes on protein structure and function (SIFT, PolyPhen-2, Align-GVGD) all suggest that this variant is likely to be disruptive, but these predictions have not been confirmed by published functional studies and their clinical significance is uncertain. This variant has not been reported in the literature in individuals with TGFBR1-related disease. ClinVar contains an entry for this variant (Variation ID: 264407). This variant is not present in population databases (ExAC no frequency). This sequence change replaces valine with leucine at codon 279 of the TGFBR1 protein (p.Val279Leu). The valine residue is highly conserved and there is a small physicochemical difference between valine and leucine.

Ambry Genetics
Classification: Uncertain significance for Familial thoracic aortic aneurysm and aortic dissection. Last evaluated: 2015-10-04. Review status: criteria provided, single submitter. Criteria: Ambry Variant Classification Scheme 2023. Collection method: clinical testing. Allele origin: germline.
Comment: The p.V279L variant (also known as c.835G>C), located in coding exon 5 of the TGFBR1 gene, results from a G to C substitution at nucleotide position 835. The valine at codon 279 is replaced by leucine, an amino acid with highly similar properties. This variant was previously reported in the SNPDatabase as rs112300506. This variant was not reported in population-based cohorts in the following databases: NHLBI Exome Sequencing Project (ESP) and 1000 Genomes Project. In the ESP, this variant was not observed in 6503 samples (13006 alleles) with coverage at this position. This amino acid position is highly conserved in available vertebrate species. In addition, this alteration is predicted to be possibly damaging and deleterious by PolyPhen and SIFT in silico analyses, respectively. Since supporting evidence is limited at this time, the clinical significance of this variant remains unclear.